The following is an entry in ClinVar:

ClinVar aggregate classification (germline): Uncertain significance (1 of 4 stars; one submission).

Allele frequency attached by ClinVar (database versions not stated): ExAC 0.00001.
gnomAD v4.1: 3 of 1,614,190 alleles (0.00019%); highest among the groups gnomAD compares: Non-Finnish European, 0.00025%; no homozygotes.

Submission:

Labcorp Genetics (formerly Invitae), Labcorp
Classification: Uncertain significance. Last evaluated: 2022-04-12. Review status: criteria provided, single submitter. Criteria: Invitae Variant Classification Sherloc (09022015). Collection method: clinical testing. Allele origin: germline.
Comment: In summary, the available evidence is currently insufficient to determine the role of this variant in disease. Therefore, it has been classified as a Variant of Uncertain Significance. Algorithms developed to predict the effect of missense changes on protein structure and function (SIFT, PolyPhen-2, Align-GVGD) all suggest that this variant is likely to be tolerated. This variant has not been reported in the literature in individuals affected with NR3C2-related conditions. This variant is present in population databases (rs776100491, gnomAD 0.002%). This sequence change replaces valine, which is neutral and non-polar, with isoleucine, which is neutral and non-polar, at codon 584 of the NR3C2 protein (p.Val584Ile).

NM_000901.5(NR3C2):c.1750G>A (p.Val584Ile)

Gene: NR3C2 (nuclear receptor subfamily 3 group C member 2; minus strand). Cytogenetic location: 4q31.23.
Variant type: single nucleotide variant.
Coding change: c.1750G>A on transcript NM_000901.5 (MANE Select); coding-DNA position 1750, G replaced by A.
Protein change: p.Val584Ile; replaces valine 584 with isoleucine.
Molecular consequence: missense variant. On other transcripts: non-coding transcript variant (1).
Genome position (GRCh38, 1-based): chr4:148,435,111, C>T on the plus strand (G>A on the coding strand, the complement: NR3C2 is on the minus strand). VCF-style: chr4-148435111-C-T. GRCh37 (hg19) VCF-style: chr4-149356263-C-T.
Other names: c.1750G>A, p.Val584Ile (NM_001166104.2, NM_001354819.1); short protein forms V584I.
Identifiers: ClinVar variation 2125082 (VCV002125082.4), dbSNP rs776100491, ClinGen allele CA3100248.